The following is an entry in ClinVar:

ClinVar aggregate classification (germline): Uncertain significance (1 of 4 stars; one submission).

Conditions:
Autosomal recessive dyskeratosis congenita. Identifiers: MedGen C3502105.
Hoyeraal-Hreidarsson syndrome (HHS). Also called: CEREBELLAR HYPOPLASIA WITH PANCYTOPENIA. Identifiers: Orphanet 3322, MedGen C1846142, MONDO:0018045.

Allele frequency attached by ClinVar (database versions not stated): TOPMed 0.00006; ESP Exome Variant Server 0.00008.
gnomAD v4.1: 61 of 1,613,884 alleles (0.0038%); highest among the groups gnomAD compares: African/African-American, 0.012%; no homozygotes.

Submission:

Labcorp Genetics (formerly Invitae), Labcorp
Classification: Uncertain significance for Hoyeraal-Hreidarsson syndrome; Autosomal recessive dyskeratosis congenita. Last evaluated: 2020-08-02. Review status: criteria provided, single submitter. Criteria: Invitae Variant Classification Sherloc (09022015). Collection method: clinical testing. Allele origin: germline.
Comment: In summary, the available evidence is currently insufficient to determine the role of this variant in disease. Therefore, it has been classified as a Variant of Uncertain Significance. Experimental studies and prediction algorithms are not available for this variant, and the functional significance of the affected amino acid(s) is currently unknown. This variant is present in population databases (rs138603501, ExAC 0.01%). This sequence change results in a premature translational stop signal in the DCLRE1B gene (p.Arg170*). While this is not anticipated to result in nonsense mediated decay, it is expected to disrupt the last 363 amino acids of the DCLRE1B protein. This variant has not been reported in the literature in individuals with DCLRE1B-related conditions.

NM_022836.4(DCLRE1B):c.508C>T (p.Arg170Ter)

Gene: DCLRE1B (DNA cross-link repair 1B; plus strand). Cytogenetic location: 1p13.2.
Variant type: single nucleotide variant.
Coding change: c.508C>T on transcript NM_022836.4 (MANE Select); coding-DNA position 508, C replaced by T.
Protein change: p.Arg170Ter; replaces arginine 170 with a stop codon.
Molecular consequence: nonsense.
Genome position (GRCh38, 1-based): chr1:113,908,161, C>T. VCF-style: chr1-113908161-C-T. GRCh37 (hg19) VCF-style: chr1-114450783-C-T.
Other names: c.130C>T, p.Arg44Ter (NM_001319946.2, NM_001319947.2, NM_001363691.2); c.508C>T, p.Arg170Ter (NM_001363690.2); short protein forms R170*, R44*.
Identifiers: ClinVar variation 836353 (VCV000836353.9), dbSNP rs138603501, ClinGen allele CA1016416.